The following is an entry in ClinVar:

NM_020937.4(FANCM):c.6005A>G (p.Asn2002Ser)

Gene: FANCM (FA complementation group M; plus strand). Cytogenetic location: 14q21.2.
Variant type: single nucleotide variant.
Coding change: c.6005A>G on transcript NM_020937.4 (MANE Select); coding-DNA position 6005, A replaced by G.
Protein change: p.Asn2002Ser; replaces asparagine 2002 with serine.
Molecular consequence: missense variant.
Genome position (GRCh38, 1-based): chr14:45,198,932, A>G. VCF-style: chr14-45198932-A-G. GRCh37 (hg19) VCF-style: chr14-45668135-A-G.
Other names: c.5927A>G, p.Asn1976Ser (NM_001308133.2); short protein forms N2002S, N1976S.
Identifiers: ClinVar variation 4254665 (VCV004254665.1).

ClinVar aggregate classification (germline): Uncertain significance (1 of 4 stars; one submission).

Conditions:
Inborn genetic diseases. Identifiers: MedGen C0950123, MeSH D030342.

Submission:

Ambry Genetics
Classification: Uncertain significance for Inborn genetic diseases. Last evaluated: 2025-08-10. Review status: criteria provided, single submitter. Criteria: Ambry Variant Classification Scheme 2023. Collection method: clinical testing. Allele origin: germline.
Comment: The p.N2002S variant (also known as c.6005A>G), located in coding exon 22 of the FANCM gene, results from an A to G substitution at nucleotide position 6005. The asparagine at codon 2002 is replaced by serine, an amino acid with highly similar properties. This amino acid position is conserved. In addition, this alteration is predicted to be tolerated by in silico analysis. Based on the available evidence, the clinical significance of this variant remains unclear.